The following is an entry in ClinVar:

ClinVar aggregate classification (germline): Pathogenic. Review status: reviewed by expert panel (3 of 4 stars). 6 submissions from 6 submitters: Pathogenic (1). 5 of the submissions do not count toward it. Last evaluated 2025-09-05.

Conditions:
RPGR-related retinopathy. Also called: RPGR retinopathy. Identifiers: MedGen CN305589, MONDO:0100437.
Retinitis pigmentosa (RP). Identifiers: Orphanet 791, MedGen C0035334, MeSH D012174, MONDO:0019200, OMIM 268000. Inheritance: Autosomal dominant, autosomal recessive and X linked inheritance.
Retinitis pigmentosa 3. Also called: CHOROIDORETINAL DEGENERATION WITH RETINAL REFLEX IN HETEROZYGOUS WOMEN. Identifiers: Orphanet 791, MedGen C1845667, MONDO:0010227, OMIM 300029.
Primary ciliary dyskinesia. Also called: Ciliary dyskinesia. Identifiers: Orphanet 244, MedGen C0008780, MONDO:0016575, HP:0012265.
RPGR-related disorder. Also called: RPGR-related condition.

Submissions (6):

ClinGen X-linked Inherited Retinal Disease Variant Curation Expert Panel, ClinGen
Classification: Pathogenic for RPGR-related retinopathy. Last evaluated: 2025-09-05. Review status: reviewed by expert panel. Criteria: ClinGen X LinkedIRD ACMG Specifications RPGR V1.0.0. Collection method: curation. Allele origin: germline. Inheritance: X-linked inheritance.
Comment: NM_001034853.2(RPGR):c.2790_2791del (p.Glu931GlyfsTer?) is a frameshift variant due to 2-nucleotide deletion introducing a premature stop codon within exon 15 of 15 that is predicted to disrupt a critical C-terminal region required for proper glutamylation of RPGR (PVS1, PMID: 36445968). This variant is absent from gnomAD v4.1.0 (PM2_Supporting). The variant has been reported to segregate with retinal dystrophy through at least 10 affected meioses from 1 family (PP1_Moderate; PMID: 32679846). In summary, this variant is classified as pathogenic for RPGR-related retinopathy based on the ClinGen X-linked Inherited Retinal Disease Expert Panel Specifications to the ACMG/AMP Variant Interpretation Guidelines for RPGR Version 1.0.0; PVS1, PM2_Supporting, and PP1_Moderate.

Labcorp Genetics (formerly Invitae), Labcorp
Classification: Pathogenic for Primary ciliary dyskinesia. Last evaluated: 2025-11-19. Review status: criteria provided, single submitter. Criteria: Invitae Variant Classification Sherloc (09022015). Collection method: clinical testing. Allele origin: germline. Not counted in ClinVar's aggregate classification.
Comment: This sequence change creates a premature translational stop signal (p.Glu931Glyfs*147) in the RPGR (ORF15) gene. While this is not anticipated to result in nonsense mediated decay, it is expected to disrupt the last 222 amino acid(s) of the RPGR (ORF15) protein. The frequency data for this variant in the population databases is considered unreliable, as metrics indicate insufficient coverage at this position in the gnomAD database. This premature translational stop signal has been observed in individuals with retinitis pigmentosa (PMID: 17195164, 29276052). This variant is also known as g.ORF15+1037_1038delGG (p.ORF15+G345fs). ClinVar contains an entry for this variant (Variation ID: 812411). This variant disrupts a region of the RPGR (ORF15) protein in which other variant(s) (p.Leu1130Lysfs*13) have been determined to be pathogenic (PMID: 22264887; internal data). This suggests that this is a clinically significant region of the protein, and that variants that disrupt it are likely to be disease-causing. For these reasons, this variant has been classified as Pathogenic.

Blueprint Genetics
Classification: Pathogenic for RPGR-related disorders. Last evaluated: 2024-11-15. Review status: criteria provided, single submitter. Criteria: ACMG Guidelines, 2015. Collection method: clinical testing. Allele origin: germline. Affected: yes. Observed: 5 variant alleles. Not counted in ClinVar's aggregate classification.

Institute of Medical Molecular Genetics, University of Zurich
Classification: Pathogenic for Retinitis pigmentosa 3. Last evaluated: 2020-12-21. Review status: criteria provided, single submitter. Criteria: Maggi J et al. (Genes (Basel) 2020). Collection method: research. Allele origin: germline. Affected: yes. Not counted in ClinVar's aggregate classification.

CeGaT Center for Human Genetics Tuebingen
Classification: Pathogenic. Last evaluated: 2020-06-01. Review status: criteria provided, single submitter. Criteria: CeGaT Center For Human Genetics Tuebingen Variant Classification Criteria Version 2. Collection method: clinical testing. Allele origin: germline. Affected: yes. Observed: 4 variant alleles. Not counted in ClinVar's aggregate classification.

Sharon lab, Hadassah-Hebrew University Medical Center
Classification: Pathogenic for Retinitis pigmentosa. Last evaluated: 2019-06-23. Review status: no assertion criteria provided. Collection method: research. Allele origin: inherited. Affected: yes. Not counted in ClinVar's aggregate classification.

Literature cited by the submitters: PubMed 17195164 (cited by Labcorp Genetics (formerly Invitae), Labcorp); PubMed 29276052 (cited by Labcorp Genetics (formerly Invitae), Labcorp); PubMed 22264887 (cited by Labcorp Genetics (formerly Invitae), Labcorp).

NM_001034853.2(RPGR):c.2790_2791del (p.Glu931fs)

Gene: RPGR (retinitis pigmentosa GTPase regulator; minus strand). Cytogenetic location: Xp11.4.
Variant type: Deletion.
Coding change: c.2790_2791del on transcript NM_001034853.2 (MANE Select); coding-DNA positions 2790 to 2791, 2 bases deleted (GG; older notation c.2790_2791delGG).
Protein change: p.Glu931fs; shifts the reading frame from glutamic acid 931.
Molecular consequence: frameshift variant. On other transcripts: intron variant (8).
Genome position (GRCh38, 1-based): chrX:38,286,208-38,286,209, CC deleted on the plus strand (GG on the coding strand, the reverse complement: RPGR is on the minus strand); deleting any 2 consecutive bases within chrX:38,286,208-38,286,211 gives the same sequence; the c. name uses the placement nearest the transcript's 3' end. VCF-style (leftmost placement, unchanged base first): chrX-38286207-TCC-T. GRCh37 (hg19) VCF-style: chrX-38145460-TCC-T.
Other names: NM_001034853.2(RPGR):c.2790_2791del; p.Glu931fs; c.1569+4750_1569+4751del (NM_001367249.1, NM_001367250.1); c.1902+885_1902+886del (NM_001367245.1); c.1386+4750_1386+4751del (NM_001367251.1); c.1719+885_1719+886del (NM_001367246.1); c.1572+4750_1572+4751del (NM_001367247.1); c.1905+885_1905+886del (NM_000328.3); and 2 more; short protein forms E931fs.
Identifiers: ClinVar variation 812411 (VCV000812411.50), dbSNP rs1601920423, ClinGen allele CA915950964.